The following is an entry in ClinVar:

ClinVar aggregate classification (germline): Uncertain significance (1 of 4 stars; one submission).

Conditions:
Congenital disorder of deglycosylation (CDDG). Identifiers: MedGen C3808991, MONDO:0031376.

Submission:

Labcorp Genetics (formerly Invitae), Labcorp
Classification: Uncertain significance for Congenital disorder of deglycosylation. Last evaluated: 2020-09-03. Review status: criteria provided, single submitter. Criteria: Invitae Variant Classification Sherloc (09022015). Collection method: clinical testing. Allele origin: germline.
Comment: This sequence change replaces leucine with phenylalanine at codon 211 of the NGLY1 protein (p.Leu211Phe). The leucine residue is highly conserved and there is a small physicochemical difference between leucine and phenylalanine. This variant is not present in population databases (ExAC no frequency). This variant has not been reported in the literature in individuals with NGLY1-related conditions. Algorithms developed to predict the effect of missense changes on protein structure and function output the following: SIFT: "Tolerated"; PolyPhen-2: "Benign"; Align-GVGD: "Class C0". The phenylalanine amino acid residue is found in multiple mammalian species, suggesting that this missense change does not adversely affect protein function. These predictions have not been confirmed by published functional studies and their clinical significance is uncertain. In summary, the available evidence is currently insufficient to determine the role of this variant in disease. Therefore, it has been classified as a Variant of Uncertain Significance.

NM_018297.4(NGLY1):c.633A>T (p.Leu211Phe)

Gene: NGLY1 (N-glycanase 1; minus strand). Cytogenetic location: 3p24.2.
Variant type: single nucleotide variant.
Coding change: c.633A>T on transcript NM_018297.4 (MANE Select); coding-DNA position 633, A replaced by T.
Protein change: p.Leu211Phe; replaces leucine 211 with phenylalanine.
Molecular consequence: missense variant.
Genome position (GRCh38, 1-based): chr3:25,751,123, T>A on the plus strand (A>T on the coding strand, the complement: NGLY1 is on the minus strand). VCF-style: chr3-25751123-T-A. GRCh37 (hg19) VCF-style: chr3-25792614-T-A.
Other names: c.633A>T, p.Leu211Phe (NM_001145293.2, NM_001145295.2); c.507A>T, p.Leu169Phe (NM_001145294.2); short protein forms L169F, L211F.
Identifiers: ClinVar variation 1004578 (VCV001004578.5), dbSNP rs1706724401, ClinGen allele CA351905802.